The following is an entry in ClinVar:

NM_005629.4(SLC6A8):c.1097T>C (p.Met366Thr)

Gene: SLC6A8 (solute carrier family 6 member 8; plus strand). Cytogenetic location: Xq28.
Variant type: single nucleotide variant.
Coding change: c.1097T>C on transcript NM_005629.4 (MANE Select); coding-DNA position 1097, T replaced by C.
Protein change: p.Met366Thr; replaces methionine 366 with threonine.
Molecular consequence: missense variant.
Genome position (GRCh38, 1-based): chrX:153,693,542, T>C. VCF-style: chrX-153693542-T-C. GRCh37 (hg19) VCF-style: chrX-152958997-T-C.
Other names: c.1067T>C, p.Met356Thr (NM_001142805.2); c.752T>C, p.Met251Thr (NM_001142806.1); short protein forms M251T, M356T, M366T.
Identifiers: ClinVar variation 4537586 (VCV004537586.1).

ClinVar aggregate classification (germline): Uncertain significance (1 of 4 stars; one submission).

Submission:

GeneDx
Classification: Uncertain significance. Last evaluated: 2025-06-12. Review status: criteria provided, single submitter. Criteria: GeneDx Variant Classification Process June 2021. Collection method: clinical testing. Allele origin: germline. Affected: yes.
Comment: Not observed at significant frequency in large population cohorts (gnomAD); In silico analysis supports that this missense variant has a deleterious effect on protein structure/function; Has not been previously published as pathogenic or benign to our knowledge